The following is an entry in ClinVar:

ClinVar aggregate classification (germline): Uncertain significance (1 of 4 stars; one submission).

Conditions:
Primary hypomagnesemia (HOMG3). Also called: HYPOMAGNESEMIA 3, RENAL; HYPOMAGNESEMIA, FAMILIAL, WITH HYPERCALCIURIA AND NEPHROCALCINOSIS; HYPOMAGNESEMIA, ISOLATED RENAL; HYPOMAGNESEMIA, PRIMARY, DUE TO DEFECT IN RENAL TUBULAR TRANSPORT OF MAGNESIUM. Identifiers: Orphanet 31043, MedGen C0268448, MONDO:0009550, OMIM 248250.

gnomAD v4.1: 1 of 1,613,942 alleles (0.000062%); no homozygotes.

Submission:

MVZ Medizinische Genetik Mainz
Classification: Uncertain significance for Primary hypomagnesemia. Last evaluated: 2024-01-22. Review status: criteria provided, single submitter. Criteria: UK Practice Guidelines For Variant Classification V4 01 2020. Collection method: clinical testing. Allele origin: germline. Inheritance: Autosomal dominant inheritance. Affected: yes. Observed: 1 variant allele.
Comment: ACMG Criteria: PVS1_STR,PM2_SUP

NM_006580.4(CLDN16):c.623C>A (p.Ser208Ter)

Gene: CLDN16 (claudin 16; plus strand). Cytogenetic location: 3q28.
Variant type: single nucleotide variant.
Coding change: c.623C>A on transcript NM_006580.4 (MANE Select); coding-DNA position 623, C replaced by A.
Protein change: p.Ser208Ter; replaces serine 208 with a stop codon.
Molecular consequence: nonsense.
Genome position (GRCh38, 1-based): chr3:190,409,951, C>A. VCF-style: chr3-190409951-C-A. GRCh37 (hg19) VCF-style: chr3-190127740-C-A.
Other names: c.623C>A, p.Ser208Ter (NM_001378492.1, NM_001378493.1); short protein forms S208*.
Identifiers: ClinVar variation 3236061 (VCV003236061.1), dbSNP rs1338030534, ClinGen allele CA355768497.
Genomic context (GRCh38, chr3:190,409,951, plus strand): 5'-TCTTTCAAACAGATGTTGGACCTGAGAGAAACTATCCTTATTCCTTGAGGAAAGCCTATT[C>A]AGCCGCGGGTGTTTCCATGGCCAAGTCATACTCAGCCCCTCGCACAGAGACGGCCAAAAT-3'